The following is an entry in ClinVar:

NM_152703.5(SAMD9L):c.1633G>A (p.Val545Ile)

Gene: SAMD9L (sterile alpha motif domain containing 9 like; minus strand). Cytogenetic location: 7q21.2.
Variant type: single nucleotide variant.
Coding change: c.1633G>A on transcript NM_152703.5 (MANE Select); coding-DNA position 1633, G replaced by A.
Protein change: p.Val545Ile; replaces valine 545 with isoleucine.
Molecular consequence: missense variant.
Genome position (GRCh38, 1-based): chr7:93,134,339, C>T on the plus strand (G>A on the coding strand, the complement: SAMD9L is on the minus strand). VCF-style: chr7-93134339-C-T. GRCh37 (hg19) VCF-style: chr7-92763652-C-T.
Other names: c.1633G>A, p.Val545Ile (NM_001303496.3, NM_001303497.3, NM_001303498.3 and 5 more transcripts); c.1633G>A (NM_152703.3, NM_152703.2); short protein forms V545I.
Identifiers: ClinVar variation 1914487 (VCV001914487.7), dbSNP rs971152688, ClinGen allele CA161962241.

ClinVar aggregate classification (germline): Uncertain significance. Review status: criteria provided, multiple submitters, no conflicts (2 of 4 stars). 3 submissions from 3 submitters: Uncertain significance (3). Last evaluated 2025-01-28.

Conditions:
Inborn genetic diseases. Identifiers: MedGen C0950123, MeSH D030342.

Allele frequency attached by ClinVar (database versions not stated): gnomAD 0.00001; TOPMed 0.00002.
gnomAD v4.1: 2 of 1,610,680 alleles (0.00012%); highest among the groups gnomAD compares: Admixed American, 0.0017%; no homozygotes.

Submissions (3):

Ambry Genetics
Classification: Uncertain significance for Inborn genetic diseases. Last evaluated: 2025-01-28. Review status: criteria provided, single submitter. Criteria: Ambry Variant Classification Scheme 2023. Collection method: clinical testing. Allele origin: germline.
Comment: The p.V545I variant (also known as c.1633G>A), located in coding exon 1 of the SAMD9L gene, results from a G to A substitution at nucleotide position 1633. The valine at codon 545 is replaced by isoleucine, an amino acid with highly similar properties. This amino acid position is conserved. In addition, this alteration is predicted to be tolerated by in silico analysis. Based on the available evidence, the clinical significance of this variant remains unclear.

Labcorp Genetics (formerly Invitae), Labcorp
Classification: Uncertain significance. Last evaluated: 2024-08-12. Review status: criteria provided, single submitter. Criteria: Invitae Variant Classification Sherloc (09022015). Collection method: clinical testing. Allele origin: germline.
Comment: This sequence change replaces valine, which is neutral and non-polar, with isoleucine, which is neutral and non-polar, at codon 545 of the SAMD9L protein (p.Val545Ile). This variant is present in population databases (no rsID available, gnomAD 0.004%). This variant has not been reported in the literature in individuals affected with SAMD9L-related conditions. ClinVar contains an entry for this variant (Variation ID: 1914487). Advanced modeling of protein sequence and biophysical properties (such as structural, functional, and spatial information, amino acid conservation, physicochemical variation, residue mobility, and thermodynamic stability) performed at Invitae indicates that this missense variant is not expected to disrupt SAMD9L protein function with a negative predictive value of 80%. In summary, the available evidence is currently insufficient to determine the role of this variant in disease. Therefore, it has been classified as a Variant of Uncertain Significance.

GeneDx
Classification: Uncertain significance. Last evaluated: 2022-11-02. Review status: criteria provided, single submitter. Criteria: GeneDx Variant Classification Process June 2021. Collection method: clinical testing. Allele origin: germline. Affected: yes.
Comment: In silico analysis supports that this missense variant does not alter protein structure/function; Has not been previously published as pathogenic or benign to our knowledge; This variant is associated with the following publications: (PMID: 28545555)